The following is an entry in ClinVar:

NM_000302.4(PLOD1):c.1328+16dup

Gene: PLOD1 (procollagen-lysine,2-oxoglutarate 5-dioxygenase 1; plus strand). Cytogenetic location: 1p36.22.
Variant type: Duplication.
Coding change: c.1328+16dup on transcript NM_000302.4 (MANE Select); 16 bases into the intron after coding-DNA position 1328, one base duplicated (G; older notation c.1328+16dupG).
Molecular consequence: intron variant.
Genome position (GRCh38, 1-based): chr1:11,964,316, G duplicated; the last of 3 consecutive G bases (chr1:11,964,314-11,964,316); duplicating any one gives the same sequence. VCF-style (leftmost placement, unchanged base first): chr1-11964313-A-AG. GRCh37 (hg19) VCF-style: chr1-12024370-A-AG.
Other names: c.1469+16dup (NM_001316320.2); c.1328+16dupG (NM_000302.4).
Identifiers: ClinVar variation 3902525 (VCV003902525.1).
Genomic context (GRCh38, chr1:11,964,313, plus strand): 5'-CTATGCCCGTTCCGAGGACTACGTGGACATTGTGCAGGGGCGGCGTGTGTGAGTACCTGC[A>AG]GGGTGGGGGTGGGTGGGGGACACCTTCATCTGGCTTCTGCCTGGGCTTGTGGGGCTCCCT-3'

ClinVar aggregate classification (germline): Likely benign (1 of 4 stars; one submission).

Submission:

Women's Health and Genetics/Laboratory Corporation of America, LabCorp
Classification: Likely benign. Last evaluated: 2025-05-05. Review status: criteria provided, single submitter. Criteria: LabCorp Variant Classification Summary - May 2015. Collection method: clinical testing. Allele origin: germline.
Comment: Variant summary: PLOD1 c.1328+16dupG alters a nucleotide located at a position not widely known to affect splicing. Consensus agreement among computation tools predict no significant impact on normal splicing. However, these predictions have yet to be confirmed by functional studies. The frequency data for this variant in gnomAD is considered unreliable, as metrics indicate poor data quality at this position. To our knowledge, no occurrence of c.1328+16dupG in individuals affected with Ehlers-Danlos Syndrome Type VI and no experimental evidence demonstrating its impact on protein function have been reported. No submitters have cited clinical-significance assessments for this variant to ClinVar. Based on the evidence outlined above, the variant was classified as likely benign.